The following is an entry in ClinVar:

NM_002137.4(HNRNPA2B1):c.722-9T>G

Gene: HNRNPA2B1 (heterogeneous nuclear ribonucleoprotein A2/B1; minus strand). Cytogenetic location: 7p15.2.
Variant type: single nucleotide variant.
Coding change: c.722-9T>G on transcript NM_002137.4 (MANE Select); 9 bases into the intron before coding-DNA position 722, T replaced by G.
Molecular consequence: intron variant.
Genome position (GRCh38, 1-based): chr7:26,193,703, A>C on the plus strand (T>G on the coding strand, the complement: HNRNPA2B1 is on the minus strand). VCF-style: chr7-26193703-A-C. GRCh37 (hg19) VCF-style: chr7-26233323-A-C.
Other names: c.722-330T>G (NM_001438578.1, NM_001438576.1, NM_001438575.1 and 1 more transcripts); c.722-9T>G (NM_001438571.1, NM_001438572.1, NM_001438063.1); c.758-330T>G (NM_001438574.1, NM_001438573.1); c.758-9T>G (NM_001438568.1, NM_001438570.1, NM_001438569.1 and 1 more transcripts).
Identifiers: ClinVar variation 3724074 (VCV003724074.2).

ClinVar aggregate classification (germline): Uncertain significance (1 of 4 stars; one submission).

Conditions:
Inclusion body myopathy with early-onset Paget disease with or without frontotemporal dementia 2 (IBMPFD2). Also called: MULTISYSTEM PROTEINOPATHY 2. Identifiers: MedGen C3809468, MONDO:0014178, OMIM 615422.

Submission:

Labcorp Genetics (formerly Invitae), Labcorp
Classification: Uncertain significance for Inclusion body myopathy with early-onset Paget disease with or without frontotemporal dementia 2. Last evaluated: 2024-11-04. Review status: criteria provided, single submitter. Criteria: Invitae Variant Classification Sherloc (09022015). Collection method: clinical testing. Allele origin: germline.
Comment: This sequence change falls in intron 8 of the HNRNPA2B1 gene. It does not directly change the encoded amino acid sequence of the HNRNPA2B1 protein. This variant is not present in population databases (gnomAD no frequency). This variant has not been reported in the literature in individuals affected with HNRNPA2B1-related conditions. Algorithms developed to predict the effect of sequence changes on RNA splicing suggest that this variant may disrupt the consensus splice site. In summary, the available evidence is currently insufficient to determine the role of this variant in disease. Therefore, it has been classified as a Variant of Uncertain Significance.